The following is an entry in ClinVar:

ClinVar aggregate classification (germline): Uncertain significance. Review status: criteria provided, multiple submitters, no conflicts (2 of 4 stars). 2 submissions from 2 submitters: Uncertain significance (2). Last evaluated 2025-04-08.

Conditions:
Polycystic kidney disease 8. Identifiers: MedGen C5935640, MONDO:0971178, OMIM 620903.

Submissions (2):

Institute of Medical Genetics and Applied Genomics, University Hospital Tübingen
Classification: Uncertain significance for Polycystic kidney disease 8. Last evaluated: 2025-04-08. Review status: criteria provided, single submitter. Criteria: ACMG Guidelines, 2015. Collection method: clinical testing. Allele origin: germline. Inheritance: Autosomal dominant inheritance. Affected: yes.

GeneDx
Classification: Uncertain significance. Last evaluated: 2023-09-27. Review status: criteria provided, single submitter. Criteria: GeneDx Variant Classification Process June 2021. Collection method: clinical testing. Allele origin: germline. Affected: yes.
Comment: Not observed at significant frequency in large population cohorts (gnomAD); In silico analysis supports that this missense variant does not alter protein structure/function; Has not been previously published as pathogenic or benign to our knowledge

NM_178170.3(NEK8):c.145C>G (p.Gln49Glu)

Gene: NEK8 (NIMA related kinase 8; plus strand). Cytogenetic location: 17q11.2.
Variant type: single nucleotide variant.
Coding change: c.145C>G on transcript NM_178170.3 (MANE Select); coding-DNA position 145, C replaced by G.
Protein change: p.Gln49Glu; replaces glutamine 49 with glutamic acid.
Molecular consequence: missense variant.
Genome position (GRCh38, 1-based): chr17:28,734,080, C>G. VCF-style: chr17-28734080-C-G. GRCh37 (hg19) VCF-style: chr17-27061098-C-G.
Other names: short protein forms Q49E.
Identifiers: ClinVar variation 1306227 (VCV001306227.5), dbSNP rs2151731531, ClinGen allele CA398422011.